The following is an entry in ClinVar:

NM_000875.5(IGF1R):c.4010G>T (p.Arg1337Leu)

Gene: IGF1R (insulin like growth factor 1 receptor; plus strand). Cytogenetic location: 15q26.3.
Variant type: single nucleotide variant.
Coding change: c.4010G>T on transcript NM_000875.5 (MANE Select); coding-DNA position 4010, G replaced by T.
Protein change: p.Arg1337Leu; replaces arginine 1337 with leucine.
Molecular consequence: missense variant.
Genome position (GRCh38, 1-based): chr15:98,957,348, G>T. VCF-style: chr15-98957348-G-T. GRCh37 (hg19) VCF-style: chr15-99500577-G-T.
Other names: c.4007G>T, p.Arg1336Leu (NM_001291858.2); short protein forms R1336L, R1337L.
Identifiers: ClinVar variation 3002842 (VCV003002842.3), dbSNP rs759627092, ClinGen allele CA7752863.

ClinVar aggregate classification (germline): Uncertain significance (1 of 4 stars; one submission).

Allele frequency attached by ClinVar (database versions not stated): gnomAD 0.00001.
gnomAD v4.1: 10 of 1,611,966 alleles (0.00062%); highest among the groups gnomAD compares: Non-Finnish European, 0.00025%; no homozygotes.

Submission:

Labcorp Genetics (formerly Invitae), Labcorp
Classification: Uncertain significance. Last evaluated: 2023-09-22. Review status: criteria provided, single submitter. Criteria: Invitae Variant Classification Sherloc (09022015). Collection method: clinical testing. Allele origin: germline.
Comment: In summary, the available evidence is currently insufficient to determine the role of this variant in disease. Therefore, it has been classified as a Variant of Uncertain Significance. An algorithm developed to predict the effect of missense changes on protein structure and function (PolyPhen-2) suggests that this variant is likely to be tolerated. This variant has not been reported in the literature in individuals affected with IGF1R-related conditions. This variant is present in population databases (rs759627092, gnomAD 0.008%). This sequence change replaces arginine, which is basic and polar, with leucine, which is neutral and non-polar, at codon 1337 of the IGF1R protein (p.Arg1337Leu).